The following is an entry in ClinVar:

NC_000002.11:g.(?_222290748)_(222436968_?)del

Gene: EPHA4 (EPH receptor A4; minus strand). Cytogenetic location: 2q36.1.
Variant type: Deletion.
Identifiers: ClinVar variation 2425115 (VCV002425115.4).

ClinVar aggregate classification (germline): Uncertain significance (1 of 4 stars; one submission).

Submission:

Labcorp Genetics (formerly Invitae), Labcorp
Classification: Uncertain significance. Last evaluated: 2022-09-30. Review status: criteria provided, single submitter. Criteria: Invitae Variant Classification Sherloc (09022015). Collection method: clinical testing. Allele origin: germline.
Comment: In summary, the available evidence is currently insufficient to determine the role of this variant in disease. Therefore, it has been classified as a Variant of Uncertain Significance. This variant has not been reported in the literature in individuals affected with EPHA4-related conditions. A gross deletion of the genomic region encompassing the full coding sequence of the EPHA4 gene has been identified. The current clinical and genetic evidence is not sufficient to establish whether loss-of-function variants in EPHA4 cause disease. The boundaries of this event are unknown as they extend beyond the assayed region for this gene and therefore may encompass additional genes.